The following is an entry in ClinVar:

NM_016507.4(CDK12):c.1945C>T (p.Leu649Phe)

Gene: CDK12 (cyclin dependent kinase 12; plus strand). Cytogenetic location: 17q12.
Variant type: single nucleotide variant.
Coding change: c.1945C>T on transcript NM_016507.4 (MANE Select); coding-DNA position 1945, C replaced by T.
Protein change: p.Leu649Phe; replaces leucine 649 with phenylalanine.
Molecular consequence: missense variant.
Genome position (GRCh38, 1-based): chr17:39,490,570, C>T. VCF-style: chr17-39490570-C-T. GRCh37 (hg19) VCF-style: chr17-37646823-C-T.
Other names: c.1945C>T, p.Leu649Phe (NM_015083.4); short protein forms L649F.
Identifiers: ClinVar variation 3489237 (VCV003489237.1).

ClinVar aggregate classification (germline): Uncertain significance (1 of 4 stars; one submission).

gnomAD v4.1: 7 of 1,608,552 alleles (0.00044%); highest among the groups gnomAD compares: Non-Finnish European, 0.00059%; no homozygotes.

Submission:

Ambry Genetics
Classification: Uncertain significance. Last evaluated: 2024-11-22. Review status: criteria provided, single submitter. Criteria: Ambry Variant Classification Scheme 2023. Collection method: clinical testing. Allele origin: germline.
Comment: The p.L649F variant (also known as c.1945C>T), located in coding exon 3 of the CDK12 gene, results from a C to T substitution at nucleotide position 1945. The leucine at codon 649 is replaced by phenylalanine, an amino acid with highly similar properties. This amino acid position is conserved. In addition, this alteration is predicted to be tolerated by in silico analysis. Based on the available evidence, the clinical significance of this variant remains unclear.